The following is an entry in ClinVar:

NM_145117.5(NAV2):c.4225A>C (p.Thr1409Pro)

Genes: NAV2 (neuron navigator 2; plus strand), NAV2-AS2 (NAV2 antisense RNA 2; minus strand), LOC126861158 (BRD4-independent group 4 enhancer GRCh37_chr11:20070019-20071218; plus strand). Cytogenetic location: 11p15.1.
Variant type: single nucleotide variant.
Coding change: c.4225A>C on transcript NM_145117.5 (MANE Select); coding-DNA position 4225, A replaced by C.
Protein change: p.Thr1409Pro; replaces threonine 1409 with proline.
Molecular consequence: missense variant. On other transcripts: non-coding transcript variant (1).
Genome position (GRCh38, 1-based): chr11:20,049,050, A>C. VCF-style: chr11-20049050-A-C. GRCh37 (hg19) VCF-style: chr11-20070596-A-C.
Other names: c.4033A>C, p.Thr1345Pro (NM_001111018.2); c.1483A>C, p.Thr495Pro (NM_001111019.3); c.4294A>C, p.Thr1432Pro (NM_001244963.2); c.4225A>C, p.Thr1409Pro (NM_182964.6); short protein forms T1345P, T1409P, T1432P, T495P.
Identifiers: ClinVar variation 3349847 (VCV003349847.1).

ClinVar aggregate classification (germline): Uncertain significance (0 of 4 stars; one submission).

Conditions:
NAV2-related disorder. Also called: NAV2-related condition.

Submission:

PreventionGenetics, part of Exact Sciences
Classification: Uncertain significance for NAV2-related condition. Last evaluated: 2024-04-24. Review status: no assertion criteria provided. Collection method: clinical testing. Allele origin: germline.
Comment: The NAV2 c.4294A>C variant is predicted to result in the amino acid substitution p.Thr1432Pro. To our knowledge, this variant has not been reported in the literature or in a large population database, indicating this variant is rare. At this time, the clinical significance of this variant is uncertain due to the absence of conclusive functional and genetic evidence.